The following is an entry in ClinVar:

NM_014423.4(AFF4):c.1457T>G (p.Val486Gly)

Gene: AFF4 (ALF transcription elongation factor 4; minus strand). Cytogenetic location: 5q31.1.
Variant type: single nucleotide variant.
Coding change: c.1457T>G on transcript NM_014423.4 (MANE Select); coding-DNA position 1457, T replaced by G.
Protein change: p.Val486Gly; replaces valine 486 with glycine.
Molecular consequence: missense variant.
Genome position (GRCh38, 1-based): chr5:132,897,173, A>C on the plus strand (T>G on the coding strand, the complement: AFF4 is on the minus strand). VCF-style: chr5-132897173-A-C. GRCh37 (hg19) VCF-style: chr5-132232865-A-C.
Other names: short protein forms V486G.
Identifiers: ClinVar variation 1721432 (VCV001721432.5), dbSNP rs751472966, ClinGen allele CA360939649.

ClinVar aggregate classification (germline): Uncertain significance (1 of 4 stars; one submission).

Conditions:
Cognitive impairment - coarse facies - heart defects - obesity - pulmonary involvement - short stature - skeletal dysplasia syndrome. Also called: Chops syndrome; COGNITIVE IMPAIRMENT, COARSE FACIES, HEART DEFECTS, OBESITY, PULMONARY INVOLVEMENT, SHORT STATURE, AND SKELETAL DYSPLASIA; AFF4-Related CHOPS Syndrome. Identifiers: Orphanet 444077, MedGen C4085597, MONDO:0014609, OMIM 616368.

Submission:

Labcorp Genetics (formerly Invitae), Labcorp
Classification: Uncertain significance for Cognitive impairment - coarse facies - heart defects - obesity - pulmonary involvement - short stature - skeletal dysplasia syndrome. Last evaluated: 2024-11-06. Review status: criteria provided, single submitter. Criteria: Invitae Variant Classification Sherloc (09022015). Collection method: clinical testing. Allele origin: germline.
Comment: This sequence change replaces valine, which is neutral and non-polar, with glycine, which is neutral and non-polar, at codon 486 of the AFF4 protein (p.Val486Gly). This variant is not present in population databases (gnomAD no frequency). This variant has not been reported in the literature in individuals affected with AFF4-related conditions. ClinVar contains an entry for this variant (Variation ID: 1721432). Invitae Evidence Modeling of protein sequence and biophysical properties (such as structural, functional, and spatial information, amino acid conservation, physicochemical variation, residue mobility, and thermodynamic stability) indicates that this missense variant is not expected to disrupt AFF4 protein function with a negative predictive value of 80%. In summary, the available evidence is currently insufficient to determine the role of this variant in disease. Therefore, it has been classified as a Variant of Uncertain Significance.